The following is an entry in ClinVar:

NM_000538.4(RFXAP):c.101C>G (p.Pro34Arg)

Genes: RFXAP (regulatory factor X associated protein; plus strand), LOC130009573 (ATAC-STARR-seq lymphoblastoid silent region 5267; plus strand). Cytogenetic location: 13q13.3.
Variant type: single nucleotide variant.
Coding change: c.101C>G on transcript NM_000538.4 (MANE Select); coding-DNA position 101, C replaced by G.
Protein change: p.Pro34Arg; replaces proline 34 with arginine.
Molecular consequence: missense variant.
Genome position (GRCh38, 1-based): chr13:36,819,458, C>G. VCF-style: chr13-36819458-C-G. GRCh37 (hg19) VCF-style: chr13-37393595-C-G.
Other names: short protein forms P34R.
Identifiers: ClinVar variation 1015139 (VCV001015139.9), dbSNP rs2057953877, ClinGen allele CA387852219.
Genomic context (GRCh38, chr13:36,819,458, plus strand): 5'-CCGCCAGCGGCGTGCCCCACCCCGCGGCCCTAGCCCCGGCTGCGGCTCCCACCTTGGCGC[C>G]AGCCTCGGTGGCGGCCGCGGCCTCTCAATTCACCCTGCTAGTGATGCAACCCTGTGCTGG-3'
Protein context (NP_000529.1, residues 24-44): LAPAAAPTLA[Pro34Arg]ASVAAAASQF

ClinVar aggregate classification (germline): Uncertain significance (1 of 4 stars; one submission).

Conditions:
MHC class II deficiency. Also called: BLS, TYPE II; Bare lymphocyte syndrome 2. Identifiers: Orphanet 572, MedGen C5447452, MONDO:0008855.

gnomAD v4.1: 2 of 1,509,210 alleles (0.00013%); highest among the groups gnomAD compares: Non-Finnish European, 0.00018%; no homozygotes.

Submission:

Labcorp Genetics (formerly Invitae), Labcorp
Classification: Uncertain significance for MHC class II deficiency. Last evaluated: 2020-03-18. Review status: criteria provided, single submitter. Criteria: Invitae Variant Classification Sherloc (09022015). Collection method: clinical testing. Allele origin: germline.
Comment: Algorithms developed to predict the effect of missense changes on protein structure and function are either unavailable or do not agree on the potential impact of this missense change (SIFT: "Deleterious"; PolyPhen-2: "Benign"; Align-GVGD: "Class C0"). In summary, the available evidence is currently insufficient to determine the role of this variant in disease. Therefore, it has been classified as a Variant of Uncertain Significance. This sequence change replaces proline with arginine at codon 34 of the RFXAP protein (p.Pro34Arg). The proline residue is weakly conserved and there is a moderate physicochemical difference between proline and arginine. The frequency data for this variant in the population databases is considered unreliable, as metrics indicate insufficient coverage at this position in the ExAC database. This variant has not been reported in the literature in individuals with RFXAP-related conditions.